The following is an entry in ClinVar:

NM_001378452.1(ITPR1):c.3583A>C (p.Lys1195Gln)

Gene: ITPR1 (inositol 1,4,5-trisphosphate receptor type 1; plus strand). Cytogenetic location: 3p26.1.
Variant type: single nucleotide variant.
Coding change: c.3583A>C on transcript NM_001378452.1 (MANE Select); coding-DNA position 3583, A replaced by C.
Protein change: p.Lys1195Gln; replaces lysine 1195 with glutamine.
Molecular consequence: missense variant.
Genome position (GRCh38, 1-based): chr3:4,685,087, A>C. VCF-style: chr3-4685087-A-C. GRCh37 (hg19) VCF-style: chr3-4726771-A-C.
Other names: c.3556A>C, p.Lys1186Gln (NM_001099952.4); c.3538A>C, p.Lys1180Gln (NM_001168272.2); c.3511A>C, p.Lys1171Gln (NM_002222.7); short protein forms K1180Q, K1186Q, K1171Q, K1195Q.
Identifiers: ClinVar variation 4703331 (VCV004703331.1).

ClinVar aggregate classification (germline): Uncertain significance (1 of 4 stars; one submission).

Submission:

Labcorp Genetics (formerly Invitae), Labcorp
Classification: Uncertain significance. Last evaluated: 2025-10-07. Review status: criteria provided, single submitter. Criteria: Invitae Variant Classification Sherloc (09022015). Collection method: clinical testing. Allele origin: germline.
Comment: This sequence change replaces lysine, which is basic and polar, with glutamine, which is neutral and polar, at codon 1171 of the ITPR1 protein (p.Lys1171Gln). This variant is not present in population databases (gnomAD no frequency). This variant has not been reported in the literature in individuals affected with ITPR1-related conditions. Invitae Evidence Modeling of protein sequence and biophysical properties (such as structural, functional, and spatial information, amino acid conservation, physicochemical variation, residue mobility, and thermodynamic stability) indicates that this missense variant is not expected to disrupt ITPR1 protein function with a negative predictive value of 95%. In summary, the available evidence is currently insufficient to determine the role of this variant in disease. Therefore, it has been classified as a Variant of Uncertain Significance.